The following is an entry in ClinVar:

NM_007078.3(LDB3):c.422C>T (p.Thr141Ile)

Gene: LDB3 (LIM domain binding 3; plus strand). Cytogenetic location: 10q23.2.
Variant type: single nucleotide variant.
Coding change: c.422C>T on transcript NM_007078.3 (MANE Select); coding-DNA position 422, C replaced by T.
Protein change: p.Thr141Ile; replaces threonine 141 with isoleucine.
Molecular consequence: missense variant. On other transcripts: intron variant (5).
Genome position (GRCh38, 1-based): chr10:86,681,536, C>T. VCF-style: chr10-86681536-C-T. GRCh37 (hg19) VCF-style: chr10-88441293-C-T.
Other names: c.422C>T, p.Thr141Ile (NM_001080115.2, NM_001171610.2, NM_001171611.2 and 3 more transcripts); c.321+1379C>T (NM_001368068.1, NM_001368066.1, NM_001080114.2 and 2 more transcripts); short protein forms T141I.
Identifiers: ClinVar variation 1027637 (VCV001027637.12), dbSNP rs141078955, ClinGen allele CA5584701.

ClinVar aggregate classification (germline): Conflicting classifications of pathogenicity. Review status: criteria provided, conflicting classifications (1 of 4 stars). 3 submissions from 3 submitters: Uncertain significance (2); Likely benign (1). Last evaluated 2026-01-31.

Conditions:
Cardiovascular phenotype. Identifiers: MedGen CN230736.
Myofibrillar myopathy 4. Also called: Zaspopathy (type). Identifiers: Orphanet 98912, MedGen C4721886, MONDO:0012277, OMIM 609452.

Allele frequency attached by ClinVar (database versions not stated): gnomAD exomes 0.00001 and 0.00002; ExAC 0.00002; gnomAD 0.00005 and 0.00007; ESP Exome Variant Server 0.00008; TOPMed 0.00008.
gnomAD v4.1: 21 of 1,612,710 alleles (0.0013%); highest among the groups gnomAD compares: African/African-American, 0.025%; no homozygotes.

Submissions (3):

Labcorp Genetics (formerly Invitae), Labcorp
Classification: Uncertain significance for Myofibrillar myopathy 4. Last evaluated: 2026-01-31. Review status: criteria provided, single submitter. Criteria: Invitae Variant Classification Sherloc (09022015). Collection method: clinical testing. Allele origin: germline.
Comment: The LDB3 gene has multiple clinically relevant transcripts. This variant occurs in alternate transcript NM_007078.3, and corresponds to NM_001080116.1:c.321+1379C>T in the primary transcript. This sequence change replaces threonine, which is neutral and polar, with isoleucine, which is neutral and non-polar, at codon 141 of the LDB3 protein (p.Thr141Ile). This variant is present in population databases (rs141078955, gnomAD 0.02%). This variant has not been reported in the literature in individuals affected with LDB3-related conditions. ClinVar contains an entry for this variant (Variation ID: 1027637). Experimental studies and prediction algorithms are not available or were not evaluated, and the functional significance of this variant is currently unknown. Algorithms developed to predict the effect of sequence changes on RNA splicing suggest that this variant is not likely to affect RNA splicing. In summary, the available evidence is currently insufficient to determine the role of this variant in disease. Therefore, it has been classified as a Variant of Uncertain Significance.

Ambry Genetics
Classification: Likely benign for Cardiovascular phenotype. Last evaluated: 2025-01-27. Review status: criteria provided, single submitter. Criteria: Ambry Variant Classification Scheme 2023. Collection method: clinical testing. Allele origin: germline.

Women's Health and Genetics/Laboratory Corporation of America, LabCorp
Classification: Uncertain significance. Last evaluated: 2021-03-11. Review status: criteria provided, single submitter. Criteria: LabCorp Variant Classification Summary - May 2015. Collection method: clinical testing. Allele origin: germline.
Comment: Variant summary: LDB3 c.422C>T (p.Thr141Ile) results in a non-conservative amino acid change in the encoded protein sequence. Four of five in-silico tools predict a benign effect of the variant on protein function. The variant allele was found at a frequency of 2.4e-05 in 248148 control chromosomes. The available data on variant occurrences in the general population are insufficient to allow any conclusion about variant significance. To our knowledge, no occurrence of c.422C>T in individuals affected with Cardiomyopathy and no experimental evidence demonstrating its impact on protein function have been reported. No clinical diagnostic laboratories have submitted clinical-significance assessments for this variant to ClinVar after 2014. Based on the evidence outlined above, the variant was classified as uncertain significance.